The following is an entry in ClinVar:

ClinVar aggregate classification (germline): Uncertain significance (1 of 4 stars; one submission).

Conditions:
Ritscher-Schinzel syndrome. Also called: CRANIOCEREBELLOCARDIAC DYSPLASIA. Identifiers: Orphanet 7, MedGen C0796137, MONDO:0019078.
Hereditary spastic paraplegia 8 (SPG8). Also called: SPASTIC PARAPLEGIA 8, AUTOSOMAL DOMINANT. Identifiers: Orphanet 100989, MedGen C1863704, MONDO:0011339, OMIM 603563.

gnomAD v4.1: 10 of 1,613,756 alleles (0.00062%); highest among the groups gnomAD compares: East Asian, 0.0022%; no homozygotes.

Submission:

Labcorp Genetics (formerly Invitae), Labcorp
Classification: Uncertain significance for Ritscher-Schinzel syndrome; Hereditary spastic paraplegia 8. Last evaluated: 2025-03-19. Review status: criteria provided, single submitter. Criteria: Invitae Variant Classification Sherloc (09022015). Collection method: clinical testing. Allele origin: germline.
Comment: This sequence change replaces alanine, which is neutral and non-polar, with threonine, which is neutral and polar, at codon 46 of the WASHC5 protein (p.Ala46Thr). This variant is present in population databases (rs746215387, gnomAD 0.003%). This variant has not been reported in the literature in individuals affected with WASHC5-related conditions. Invitae Evidence Modeling of protein sequence and biophysical properties (such as structural, functional, and spatial information, amino acid conservation, physicochemical variation, residue mobility, and thermodynamic stability) indicates that this missense variant is not expected to disrupt WASHC5 protein function with a negative predictive value of 80%. In summary, the available evidence is currently insufficient to determine the role of this variant in disease. Therefore, it has been classified as a Variant of Uncertain Significance.

NM_014846.4(WASHC5):c.136G>A (p.Ala46Thr)

Gene: WASHC5 (WASH complex subunit 5; minus strand). Cytogenetic location: 8q24.13.
Variant type: single nucleotide variant.
Coding change: c.136G>A on transcript NM_014846.4 (MANE Select); coding-DNA position 136, G replaced by A.
Protein change: p.Ala46Thr; replaces alanine 46 with threonine.
Molecular consequence: missense variant. On other transcripts: intron variant (1).
Genome position (GRCh38, 1-based): chr8:125,083,763, C>T on the plus strand (G>A on the coding strand, the complement: WASHC5 is on the minus strand). VCF-style: chr8-125083763-C-T. GRCh37 (hg19) VCF-style: chr8-126096005-C-T.
Other names: c.-258-505G>A (NM_001330609.2); short protein forms A46T.
Identifiers: ClinVar variation 3754287 (VCV003754287.2).